The following is an entry in ClinVar:

NM_015515.5(KRT23):c.48T>G (p.His16Gln)

Gene: KRT23 (keratin 23; minus strand). Cytogenetic location: 17q21.2.
Variant type: single nucleotide variant.
Coding change: c.48T>G on transcript NM_015515.5 (MANE Select); coding-DNA position 48, T replaced by G.
Protein change: p.His16Gln; replaces histidine 16 with glutamine.
Molecular consequence: missense variant. On other transcripts: intron variant (1).
Genome position (GRCh38, 1-based): chr17:40,936,556, A>C on the plus strand (T>G on the coding strand, the complement: KRT23 is on the minus strand). VCF-style: chr17-40936556-A-C. GRCh37 (hg19) VCF-style: chr17-39092808-A-C.
Other names: c.-16+572T>G (NM_001282433.2); short protein forms H16Q.
Identifiers: ClinVar variation 2647751 (VCV002647751.24), dbSNP rs202197762, ClinGen allele CA8549799.

ClinVar aggregate classification (germline): Likely benign (1 of 4 stars; one submission).

Allele frequency attached by ClinVar (database versions not stated): ExAC 0.00073; 1000 Genomes Project 0.00140; 1000 Genomes Project 30x 0.00187.

Submission:

CeGaT Center for Human Genetics Tuebingen
Classification: Likely benign. Last evaluated: 2023-02-01. Review status: criteria provided, single submitter. Criteria: CeGaT Center For Human Genetics Tuebingen Variant Classification Criteria Version 2. Collection method: clinical testing. Allele origin: germline. Affected: yes. Observed: 1 variant allele.
Comment: KRT23: BP4, BS1